The following is an entry in ClinVar:

NM_016507.4(CDK12):c.923G>A (p.Arg308Lys)

Genes: CDK12 (cyclin dependent kinase 12; plus strand), LOC126862553 (CDK7 strongly-dependent group 2 enhancer GRCh37_chr17:37618166-37619365; plus strand). Cytogenetic location: 17q12.
Variant type: single nucleotide variant.
Coding change: c.923G>A on transcript NM_016507.4 (MANE Select); coding-DNA position 923, G replaced by A.
Protein change: p.Arg308Lys; replaces arginine 308 with lysine.
Molecular consequence: missense variant.
Genome position (GRCh38, 1-based): chr17:39,462,994, G>A. VCF-style: chr17-39462994-G-A. GRCh37 (hg19) VCF-style: chr17-37619247-G-A.
Other names: c.923G>A, p.Arg308Lys (NM_015083.4); short protein forms R308K.
Identifiers: ClinVar variation 5034067 (VCV005034067.1).

ClinVar aggregate classification (germline): Uncertain significance (1 of 4 stars; one submission).

Submission:

Ambry Genetics
Classification: Uncertain significance. Last evaluated: 2026-06-26. Review status: criteria provided, single submitter. Criteria: Ambry Variant Classification Scheme 2023. Collection method: clinical testing. Allele origin: germline.
Comment: The p.R308K variant (also known as c.923G>A), located in coding exon 1 of the CDK12 gene, results from a G to A substitution at nucleotide position 923. The arginine at codon 308 is replaced by lysine, an amino acid with highly similar properties. This amino acid position is conserved. In addition, this alteration is predicted to be tolerated by in silico analysis. Based on the available evidence, the clinical significance of this variant remains unclear.